The following is an entry in ClinVar:

ClinVar aggregate classification (germline): Uncertain significance (1 of 4 stars; one submission).

Submission:

Ambry Genetics
Classification: Uncertain significance. Last evaluated: 2025-07-19. Review status: criteria provided, single submitter. Criteria: Ambry Variant Classification Scheme 2023. Collection method: clinical testing. Allele origin: germline.
Comment: The p.C80Y variant (also known as c.239G>A), located in coding exon 2 of the GFI1 gene, results from a G to A substitution at nucleotide position 239. The cysteine at codon 80 is replaced by tyrosine, an amino acid with highly dissimilar properties. This amino acid position is conserved. In addition, the in silico prediction for this alteration is inconclusive. Based on the available evidence, the clinical significance of this variant remains unclear.

NM_005263.5(GFI1):c.239G>A (p.Cys80Tyr)

Gene: GFI1 (growth factor independent 1 transcriptional repressor; minus strand). Cytogenetic location: 1p22.1.
Variant type: single nucleotide variant.
Coding change: c.239G>A on transcript NM_005263.5 (MANE Select); coding-DNA position 239, G replaced by A.
Protein change: p.Cys80Tyr; replaces cysteine 80 with tyrosine.
Molecular consequence: missense variant.
Genome position (GRCh38, 1-based): chr1:92,482,923, C>T on the plus strand (G>A on the coding strand, the complement: GFI1 is on the minus strand). VCF-style: chr1-92482923-C-T. GRCh37 (hg19) VCF-style: chr1-92948480-C-T.
Other names: c.239G>A, p.Cys80Tyr (NM_001127215.3, NM_001127216.3); short protein forms C80Y.
Identifiers: ClinVar variation 4263211 (VCV004263211.1).